The following is an entry in ClinVar:

NM_002435.3(MPI):c.199dup (p.Ser67fs)

Gene: MPI (mannose phosphate isomerase; plus strand). Cytogenetic location: 15q24.1.
Variant type: Duplication.
Coding change: c.199dup on transcript NM_002435.3 (MANE Select); coding-DNA position 199, one base duplicated (T; older notation c.199dupT).
Protein change: p.Ser67fs; shifts the reading frame from serine 67.
Molecular consequence: frameshift variant.
Genome position (GRCh38, 1-based): chr15:74,891,433, T duplicated. VCF-style (leftmost placement, unchanged base first): chr15-74891432-C-CT. GRCh37 (hg19) VCF-style: chr15-75183773-C-CT.
Other names: c.199dup, p.Ser67fs (NM_001289155.2, NM_001289157.2); c.49dup, p.Ser17fs (NM_001289156.2); c.139dup, p.Ser47fs (NM_001330372.2); short protein forms S17fs, S47fs, S67fs.
Identifiers: ClinVar variation 2501133 (VCV002501133.1), dbSNP rs2505813641, ClinGen allele CA2580613290.

ClinVar aggregate classification (germline): Likely pathogenic (1 of 4 stars; one submission).

Conditions:
MPI-congenital disorder of glycosylation. Also called: PROTEIN-LOSING ENTEROPATHY-HEPATIC FIBROSIS SYNDROME; MPI-CDG; MPI DEFICIENCY; CONGENITAL DISORDER OF GLYCOSYLATION, TYPE Ib; CDG Ib; MANNOSEPHOSPHATE ISOMERASE DEFICIENCY. Identifiers: Orphanet 79319, MedGen C1865145, MONDO:0011257, OMIM 602579.

Submission:

Women's Health and Genetics/Laboratory Corporation of America, LabCorp
Classification: Likely pathogenic for MPI-congenital disorder of glycosylation. Last evaluated: 2023-03-01. Review status: criteria provided, single submitter. Criteria: LabCorp Variant Classification Summary - May 2015. Collection method: clinical testing. Allele origin: germline.
Comment: Variant summary: MPI c.199dupT (p.Ser67PhefsX11) results in a premature termination codon, predicted to cause a truncation of the encoded protein or absence of the protein due to nonsense mediated decay, which are commonly known mechanisms for disease. Truncations downstream of this position are classified as pathogenic in ClinVar. The variant was absent in 251490 control chromosomes. To our knowledge, no occurrence of c.199dupT in individuals affected with Congenital Disorder Of Glycosylation Type 1B and no experimental evidence demonstrating its impact on protein function have been reported. No submitters have provided clinical-significance assessments for this variant to ClinVar after 2014. Based on the evidence outlined above, the variant was classified as likely pathogenic.